The following is an entry in ClinVar:

NM_001366385.1(CARD14):c.1100C>A (p.Ala367Glu)

Gene: CARD14 (caspase recruitment domain family member 14; plus strand). Cytogenetic location: 17q25.3.
Variant type: single nucleotide variant.
Coding change: c.1100C>A on transcript NM_001366385.1 (MANE Select); coding-DNA position 1100, C replaced by A.
Protein change: p.Ala367Glu; replaces alanine 367 with glutamic acid.
Molecular consequence: missense variant. On other transcripts: non-coding transcript variant (1).
Genome position (GRCh38, 1-based): chr17:80,191,333, C>A. VCF-style: chr17-80191333-C-A. GRCh37 (hg19) VCF-style: chr17-78165132-C-A.
Other names: c.1100C>A (NM_024110.3); c.1100C>A, p.Ala367Glu (NM_001257970.1, NM_024110.4); c.389C>A, p.Ala130Glu (NM_052819.3); short protein forms A367E, A130E.
Identifiers: ClinVar variation 1947888 (VCV001947888.7), dbSNP rs549747651, ClinGen allele CA401345687.
Genomic context (GRCh38, chr17:80,191,333, plus strand): 5'-GCTCCCCGGTGGTGATGGCGCGGCCTCCTTACTCCCGTCGTGGCCCACAGGCGTACTCCG[C>A]GAGGGACAGTGCTCAGAGGGAGATTTCCCAGAGCCTGGTGGAGAAGGACTCCCTCCGCAG-3'
Protein context (NP_001353314.1, residues 357-377): LQKERDQAYS[Ala367Glu]RDSAQREISQ

ClinVar aggregate classification (germline): Uncertain significance. Review status: criteria provided, multiple submitters, no conflicts (2 of 4 stars). 2 submissions from 2 submitters: Uncertain significance (2). Last evaluated 2025-04-22.

Conditions:
Pityriasis rubra pilaris (PRP). Also called: Pityriasis rubra pilaris--familial type. Identifiers: Orphanet 2897, MedGen C0032027, MONDO:0100017, OMIM 173200, MONDO:0008251.
Psoriasis 2. Identifiers: MedGen C1864497, MONDO:0011269, OMIM 602723.
Inborn genetic diseases. Identifiers: MedGen C0950123, MeSH D030342.

gnomAD v4.1: 5 of 1,612,992 alleles (0.00031%); highest among the groups gnomAD compares: Non-Finnish European, 0.00042%; no homozygotes.

Submissions (2):

Labcorp Genetics (formerly Invitae), Labcorp
Classification: Uncertain significance for Pityriasis rubra pilaris; Psoriasis 2. Last evaluated: 2025-04-22. Review status: criteria provided, single submitter. Criteria: Invitae Variant Classification Sherloc (09022015). Collection method: clinical testing. Allele origin: germline.
Comment: This sequence change replaces alanine, which is neutral and non-polar, with glutamic acid, which is acidic and polar, at codon 367 of the CARD14 protein (p.Ala367Glu). This variant is not present in population databases (gnomAD no frequency). This variant has not been reported in the literature in individuals affected with CARD14-related conditions. ClinVar contains an entry for this variant (Variation ID: 1947888). Invitae Evidence Modeling of protein sequence and biophysical properties (such as structural, functional, and spatial information, amino acid conservation, physicochemical variation, residue mobility, and thermodynamic stability) has been performed for this missense variant. However, the output from this modeling did not meet the statistical confidence thresholds required to predict the impact of this variant on CARD14 protein function. In summary, the available evidence is currently insufficient to determine the role of this variant in disease. Therefore, it has been classified as a Variant of Uncertain Significance.

Ambry Genetics
Classification: Uncertain significance for Inborn genetic diseases. Last evaluated: 2023-03-02. Review status: criteria provided, single submitter. Criteria: Ambry Variant Classification Scheme 2023. Collection method: clinical testing. Allele origin: germline.